The following is an entry in ClinVar:

ClinVar aggregate classification (germline): Pathogenic (1 of 4 stars; one submission).

Submission:

Labcorp Genetics (formerly Invitae), Labcorp
Classification: Pathogenic. Last evaluated: 2024-01-02. Review status: criteria provided, single submitter. Criteria: Invitae Variant Classification Sherloc (09022015). Collection method: clinical testing. Allele origin: germline.
Comment: This sequence change creates a premature translational stop signal (p.Asn232Argfs*4) in the SAG gene. It is expected to result in an absent or disrupted protein product. Loss-of-function variants in SAG are known to be pathogenic (PMID: 9452120, 15234147, 22665972). This variant is present in population databases (rs759639806, gnomAD 0.02%). This variant has not been reported in the literature in individuals affected with SAG-related conditions. ClinVar contains an entry for this variant (Variation ID: 1389528). For these reasons, this variant has been classified as Pathogenic.

Literature cited by the submitters: PubMed 9452120; PubMed 15234147; PubMed 22665972.

NM_000541.5(SAG):c.695_704del (p.Asn232fs)

Gene: SAG (S-antigen visual arrestin; plus strand). Cytogenetic location: 2q37.1.
Variant type: Deletion.
Coding change: c.695_704del on transcript NM_000541.5 (MANE Select); coding-DNA positions 695 to 704, 10 bases deleted (ATAACACAGA; older notation c.695_704delATAACACAGA).
Protein change: p.Asn232fs; shifts the reading frame from asparagine 232.
Molecular consequence: frameshift variant.
Genome position (GRCh38, 1-based): chr2:233,329,539-233,329,548, ATAACACAGA deleted; deleting any 10 consecutive bases within chr2:233,329,538-233,329,548 gives the same sequence; the c. name uses the placement nearest the transcript's 3' end. VCF-style (leftmost placement, unchanged base first): chr2-233329537-CAATAACACAG-C. GRCh37 (hg19) VCF-style: chr2-234238183-CAATAACACAG-C.
Other names: short protein forms N232fs.
Identifiers: ClinVar variation 1389528 (VCV001389528.6), dbSNP rs759639806, ClinGen allele CA2174490.
Genomic context (GRCh38, chr2:233,329,537, plus strand): 5'-CTGCTGACTTTTCTAGATCTATTTCCATGGGGAGCCCATCCCTGTGACCGTGACTGTCAC[CAATAACACAG>C]AGAAGACCGTGAAGAAGATTAAAGCATTCGGTAGGACCTTCTTCTCAGAAGTAGAGGGCA-3'